The following is an entry in ClinVar:

ClinVar aggregate classification (germline): Uncertain significance. Review status: criteria provided, multiple submitters, no conflicts (2 of 4 stars). 2 submissions from 2 submitters: Uncertain significance (2). Last evaluated 2025-09-28.

Conditions:
Hereditary cancer-predisposing syndrome. Also called: Tumor predisposition; Hereditary Cancer Syndrome; Hereditary neoplastic syndrome; Neoplastic Syndromes, Hereditary. Identifiers: Orphanet 140162, MedGen C0027672, MeSH D009386, MONDO:0015356.
Gastrointestinal stromal tumor. Also called: Gastrointestinal stroma tumor; Gastrointestinal stromal tumor, somatic. Identifiers: Orphanet 44890, MedGen C0238198, MeSH D046152, MONDO:0011719, OMIM 606764, HP:0100723.

Allele frequency attached by ClinVar (database versions not stated): gnomAD exomes below 0.00001.

Submissions (2):

Ambry Genetics
Classification: Uncertain significance for Hereditary cancer-predisposing syndrome. Last evaluated: 2025-09-28. Review status: criteria provided, single submitter. Criteria: Ambry Variant Classification Scheme 2023. Collection method: clinical testing. Allele origin: germline.
Comment: The p.G313A variant (also known as c.938G>C), located in coding exon 6 of the PDGFRA gene, results from a G to C substitution at nucleotide position 938. The glycine at codon 313 is replaced by alanine, an amino acid with similar properties. This amino acid position is conserved. In addition, the in silico prediction for this alteration is inconclusive. Based on the available evidence, the clinical significance of this variant remains unclear.

Labcorp Genetics (formerly Invitae), Labcorp
Classification: Uncertain significance for Gastrointestinal stromal tumor. Last evaluated: 2024-01-19. Review status: criteria provided, single submitter. Criteria: Invitae Variant Classification Sherloc (09022015). Collection method: clinical testing. Allele origin: germline.
Comment: This sequence change replaces glycine, which is neutral and non-polar, with alanine, which is neutral and non-polar, at codon 313 of the PDGFRA protein (p.Gly313Ala). This variant is present in population databases (no rsID available, gnomAD 0.003%). This variant has not been reported in the literature in individuals affected with PDGFRA-related conditions. ClinVar contains an entry for this variant (Variation ID: 2014368). Advanced modeling of protein sequence and biophysical properties (such as structural, functional, and spatial information, amino acid conservation, physicochemical variation, residue mobility, and thermodynamic stability) has been performed at Invitae for this missense variant, however the output from this modeling did not meet the statistical confidence thresholds required to predict the impact of this variant on PDGFRA protein function. In summary, the available evidence is currently insufficient to determine the role of this variant in disease. Therefore, it has been classified as a Variant of Uncertain Significance.

NM_006206.6(PDGFRA):c.938G>C (p.Gly313Ala)

Gene: PDGFRA (platelet derived growth factor receptor alpha; plus strand). Cytogenetic location: 4q12.
Variant type: single nucleotide variant.
Coding change: c.938G>C on transcript NM_006206.6 (MANE Select); coding-DNA position 938, G replaced by C.
Protein change: p.Gly313Ala; replaces glycine 313 with alanine.
Molecular consequence: missense variant.
Genome position (GRCh38, 1-based): chr4:54,267,558, G>C. VCF-style: chr4-54267558-G-C. GRCh37 (hg19) VCF-style: chr4-55133725-G-C.
Other names: c.938G>C, p.Gly313Ala (NM_001347827.2, NM_001347829.2); c.1013G>C, p.Gly338Ala (NM_001347828.2); c.977G>C, p.Gly326Ala (NM_001347830.2); short protein forms G313A, G338A, G326A.
Identifiers: ClinVar variation 2014368 (VCV002014368.4), dbSNP rs1293806775, ClinGen allele CA356891446.
Genomic context (GRCh38, chr4:54,267,558, plus strand): 5'-GCTCGGGATCCATATGTGGTAATCATTATTTAATGGAAACTCTTCCCTGTACAGAGAAAG[G>C]TTTCATTGAAATCAAACCCACCTTCAGCCAGTTGGAAGCTGTCAACCTGCATGAAGTCAA-3'
Protein context (NP_006197.1, residues 303-323): KKVTISVHEK[Gly313Ala]FIEIKPTFSQ